The following is an entry in ClinVar:

NM_015909.4(NBAS):c.3878G>A (p.Arg1293His)

Gene: NBAS (NBAS subunit of NRZ tethering complex; minus strand). Cytogenetic location: 2p24.3.
Variant type: single nucleotide variant.
Coding change: c.3878G>A on transcript NM_015909.4 (MANE Select); coding-DNA position 3878, G replaced by A.
Protein change: p.Arg1293His; replaces arginine 1293 with histidine.
Molecular consequence: missense variant. On other transcripts: non-coding transcript variant (1).
Genome position (GRCh38, 1-based): chr2:15,356,356, C>T on the plus strand (G>A on the coding strand, the complement: NBAS is on the minus strand). VCF-style: chr2-15356356-C-T. GRCh37 (hg19) VCF-style: chr2-15496480-C-T.
Other names: c.3878G>A (NM_015909.3); short protein forms R1293H.
Identifiers: ClinVar variation 1473097 (VCV001473097.5), dbSNP rs778251675, ClinGen allele CA1535869.

ClinVar aggregate classification (germline): Uncertain significance. Review status: criteria provided, single submitter (1 of 4 stars). 2 submissions from 2 submitters: Uncertain significance (1). 1 of the submissions does not count toward it. Last evaluated 2022-10-10.

Conditions:
NBAS-related disorder. Also called: NBAS-related condition.

Allele frequency attached by ClinVar (database versions not stated): ExAC 0.00002; gnomAD exomes 0.00001; TOPMed 0.00003.
gnomAD v4.1: 15 of 1,613,874 alleles (0.00093%); highest among the groups gnomAD compares: East Asian, 0.0045%; no homozygotes.

Submissions (2):

Labcorp Genetics (formerly Invitae), Labcorp
Classification: Uncertain significance. Last evaluated: 2022-10-10. Review status: criteria provided, single submitter. Criteria: Invitae Variant Classification Sherloc (09022015). Collection method: clinical testing. Allele origin: germline.
Comment: This sequence change replaces arginine, which is basic and polar, with histidine, which is basic and polar, at codon 1293 of the NBAS protein (p.Arg1293His). This variant is present in population databases (rs778251675, gnomAD 0.006%). This variant has not been reported in the literature in individuals affected with NBAS-related conditions. ClinVar contains an entry for this variant (Variation ID: 1473097). Advanced modeling of protein sequence and biophysical properties (such as structural, functional, and spatial information, amino acid conservation, physicochemical variation, residue mobility, and thermodynamic stability) performed at Invitae indicates that this missense variant is not expected to disrupt NBAS protein function. In summary, the available evidence is currently insufficient to determine the role of this variant in disease. Therefore, it has been classified as a Variant of Uncertain Significance.

PreventionGenetics, part of Exact Sciences
Classification: Uncertain significance for NBAS-related condition. Last evaluated: 2023-10-25. Review status: no assertion criteria provided. Collection method: clinical testing. Allele origin: germline. Not counted in ClinVar's aggregate classification.
Comment: The NBAS c.3878G>A variant is predicted to result in the amino acid substitution p.Arg1293His. To our knowledge, this variant has not been reported in the literature. This variant is reported in 0.0058% of alleles in individuals of Latino descent in gnomAD. At this time, the clinical significance of this variant is uncertain due to the absence of conclusive functional and genetic evidence.